The following is an entry in ClinVar:

NM_198253.3(TERT):c.2153A>G (p.Asp718Gly)

Gene: TERT (telomerase reverse transcriptase; minus strand). Cytogenetic location: 5p15.33.
Variant type: single nucleotide variant.
Coding change: c.2153A>G on transcript NM_198253.3 (MANE Select); coding-DNA position 2153, A replaced by G.
Protein change: p.Asp718Gly; replaces aspartic acid 718 with glycine.
Molecular consequence: missense variant. On other transcripts: non-coding transcript variant (1).
Genome position (GRCh38, 1-based): chr5:1,278,774, T>C on the plus strand (A>G on the coding strand, the complement: TERT is on the minus strand). VCF-style: chr5-1278774-T-C. GRCh37 (hg19) VCF-style: chr5-1278889-T-C.
Other names: c.2153A>G, p.Asp718Gly (NM_001193376.3); short protein forms D718G.
Identifiers: ClinVar variation 3805776 (VCV003805776.1).

ClinVar aggregate classification (germline): Uncertain significance (1 of 4 stars; one submission).

Conditions:
Dyskeratosis congenita. Identifiers: Orphanet 1775, MedGen C0265965, MONDO:0015780.

Submission:

Ambry Genetics
Classification: Uncertain significance for Dyskeratosis congenita. Last evaluated: 2025-01-27. Review status: criteria provided, single submitter. Criteria: Ambry Variant Classification Scheme 2023. Collection method: clinical testing. Allele origin: germline.
Comment: The p.D718G variant (also known as c.2153A>G), located in coding exon 6 of the TERT gene, results from an A to G substitution at nucleotide position 2153. The aspartic acid at codon 718 is replaced by glycine, an amino acid with similar properties. This amino acid position is conserved. In addition, this alteration is predicted to be deleterious by in silico analysis. Based on the available evidence, the clinical significance of this variant remains unclear.